The following is an entry in ClinVar:

NM_002439.5(MSH3):c.767A>G (p.Tyr256Cys)

Gene: MSH3 (mutS homolog 3; plus strand). Cytogenetic location: 5q14.1.
Variant type: single nucleotide variant.
Coding change: c.767A>G on transcript NM_002439.5 (MANE Select); coding-DNA position 767, A replaced by G.
Protein change: p.Tyr256Cys; replaces tyrosine 256 with cysteine.
Molecular consequence: missense variant.
Genome position (GRCh38, 1-based): chr5:80,670,284, A>G. VCF-style: chr5-80670284-A-G. GRCh37 (hg19) VCF-style: chr5-79966103-A-G.
Other names: c.767A>G (NM_002439.3); short protein forms Y256C.
Identifiers: ClinVar variation 652070 (VCV000652070.9), dbSNP rs1580550393, ClinGen allele CA360266979.

ClinVar aggregate classification (germline): Uncertain significance. Review status: criteria provided, multiple submitters, no conflicts (2 of 4 stars). 2 submissions from 2 submitters: Uncertain significance (2). Last evaluated 2025-08-13.

Conditions:
Hereditary cancer-predisposing syndrome. Also called: Neoplastic Syndromes, Hereditary; Tumor predisposition; Hereditary Cancer Syndrome; Hereditary neoplastic syndrome. Identifiers: Orphanet 140162, MedGen C0027672, MeSH D009386, MONDO:0015356.

Allele frequency attached by ClinVar (database versions not stated): gnomAD exomes below 0.00001.
gnomAD v4.1: 2 of 1,614,158 alleles (0.00012%); highest among the groups gnomAD compares: South Asian, 0.0011%; no homozygotes.

Submissions (2):

Labcorp Genetics (formerly Invitae), Labcorp
Classification: Uncertain significance. Last evaluated: 2025-08-13. Review status: criteria provided, single submitter. Criteria: Invitae Variant Classification Sherloc (09022015). Collection method: clinical testing. Allele origin: germline.
Comment: This sequence change replaces tyrosine, which is neutral and polar, with cysteine, which is neutral and slightly polar, at codon 256 of the MSH3 protein (p.Tyr256Cys). This variant is not present in population databases (gnomAD no frequency). This variant has not been reported in the literature in individuals affected with MSH3-related conditions. ClinVar contains an entry for this variant (Variation ID: 652070). An algorithm developed to predict the effect of missense changes on protein structure and function (PolyPhen-2) suggests that this variant is likely to be disruptive. In summary, the available evidence is currently insufficient to determine the role of this variant in disease. Therefore, it has been classified as a Variant of Uncertain Significance.

Ambry Genetics
Classification: Uncertain significance for Hereditary cancer-predisposing syndrome. Last evaluated: 2025-01-14. Review status: criteria provided, single submitter. Criteria: Ambry Variant Classification Scheme 2023. Collection method: clinical testing. Allele origin: germline.
Comment: The p.Y256C variant (also known as c.767A>G), located in coding exon 4 of the MSH3 gene, results from an A to G substitution at nucleotide position 767. The tyrosine at codon 256 is replaced by cysteine, an amino acid with highly dissimilar properties. This amino acid position is conserved. In addition, this alteration is predicted to be deleterious by in silico analysis. Based on the available evidence, the clinical significance of this variant remains unclear.